The following is an entry in ClinVar:

NM_001166108.2(PALLD):c.2623G>T (p.Gly875Cys)

Genes: CBR4 (carbonyl reductase 4; minus strand), PALLD (palladin, cytoskeletal associated protein; plus strand). Cytogenetic location: 4q32.3.
Variant type: single nucleotide variant.
Coding change: c.2623G>T on transcript NM_001166108.2 (MANE Select); coding-DNA position 2623, G replaced by T.
Protein change: p.Gly875Cys; replaces glycine 875 with cysteine.
Molecular consequence: missense variant.
Genome position (GRCh38, 1-based): chr4:168,913,927, G>T. VCF-style: chr4-168913927-G-T. GRCh37 (hg19) VCF-style: chr4-169835078-G-T.
Other names: c.1426G>T, p.Gly476Cys (NM_001166109.2); c.1111G>T, p.Gly371Cys (NM_001166110.2); c.451G>T, p.Gly151Cys (NM_001367567.1, NM_001367569.1); c.502G>T, p.Gly168Cys (NM_001367568.1, NM_001367570.1); c.2572G>T, p.Gly858Cys (NM_016081.4); short protein forms G476C, G875C, G168C, G371C, G858C, G151C.
Identifiers: ClinVar variation 3304062 (VCV003304062.1).

ClinVar aggregate classification (germline): Uncertain significance (1 of 4 stars; one submission).

Submission:

Ambry Genetics
Classification: Uncertain significance. Last evaluated: 2024-04-17. Review status: criteria provided, single submitter. Criteria: Ambry Variant Classification Scheme 2023. Collection method: clinical testing. Allele origin: germline.
Comment: The p.G858C variant (also known as c.2572G>T) is located in coding exon 14 of the PALLD gene. The glycine at codon 858 is replaced by cysteine, an amino acid with highly dissimilar properties. This change occurs in the first base pair of coding exon 14. This amino acid position is conserved. In addition, this alteration is predicted to be deleterious by in silico analysis. Based on the available evidence, the clinical significance of this variant remains unclear.